The following is an entry in ClinVar:

NM_006415.4(SPTLC1):c.908T>C (p.Ile303Thr)

Gene: SPTLC1 (serine palmitoyltransferase long chain base subunit 1; minus strand). Cytogenetic location: 9q22.31.
Variant type: single nucleotide variant.
Coding change: c.908T>C on transcript NM_006415.4 (MANE Select); coding-DNA position 908, T replaced by C.
Protein change: p.Ile303Thr; replaces isoleucine 303 with threonine.
Molecular consequence: missense variant.
Genome position (GRCh38, 1-based): chr9:92,047,689, A>G on the plus strand (T>C on the coding strand, the complement: SPTLC1 is on the minus strand). VCF-style: chr9-92047689-A-G. GRCh37 (hg19) VCF-style: chr9-94809971-A-G.
Other names: c.908T>C, p.Ile303Thr (NM_001281303.2); c.542T>C, p.Ile181Thr (NM_001368272.1); c.443T>C, p.Ile148Thr (NM_001368273.1); c.908T>C (NM_006415.2); short protein forms I303T, I148T, I181T.
Identifiers: ClinVar variation 567643 (VCV000567643.9), dbSNP rs766476735, ClinGen allele CA5121385.

ClinVar aggregate classification (germline): Uncertain significance. Review status: criteria provided, multiple submitters, no conflicts (2 of 4 stars). 2 submissions from 2 submitters: Uncertain significance (2). Last evaluated 2025-02-19.

Conditions:
Hereditary sensory and autonomic neuropathy type 1 (HSAN1). Also called: HSAN 1; HSN Type I; Hereditary Sensory Neuropathy Type I. Identifiers: Orphanet 36386, MedGen C0020071, MONDO:0018213.

Allele frequency attached by ClinVar (database versions not stated): gnomAD 0.00001; ExAC 0.00002; gnomAD exomes below 0.00001; TOPMed 0.00001.
gnomAD v4.1: 3 of 1,612,424 alleles (0.00019%); highest among the groups gnomAD compares: Non-Finnish European, 0.00025%; no homozygotes.

Submissions (2):

GeneDx
Classification: Uncertain significance. Last evaluated: 2025-02-19. Review status: criteria provided, single submitter. Criteria: GeneDx Variant Classification Process June 2021. Collection method: clinical testing. Allele origin: germline. Affected: yes.
Comment: Not observed at significant frequency in large population cohorts (gnomAD); In silico analysis supports that this missense variant has a deleterious effect on protein structure/function; Has not been previously published as pathogenic or benign to our knowledge

Labcorp Genetics (formerly Invitae), Labcorp
Classification: Uncertain significance for Hereditary sensory and autonomic neuropathy type 1. Last evaluated: 2024-06-05. Review status: criteria provided, single submitter. Criteria: Invitae Variant Classification Sherloc (09022015). Collection method: clinical testing. Allele origin: germline.
Comment: This sequence change replaces isoleucine, which is neutral and non-polar, with threonine, which is neutral and polar, at codon 303 of the SPTLC1 protein (p.Ile303Thr). This variant is present in population databases (rs766476735, gnomAD 0.006%). This variant has not been reported in the literature in individuals affected with SPTLC1-related conditions. ClinVar contains an entry for this variant (Variation ID: 567643). Advanced modeling of protein sequence and biophysical properties (such as structural, functional, and spatial information, amino acid conservation, physicochemical variation, residue mobility, and thermodynamic stability) performed at Invitae indicates that this missense variant is not expected to disrupt SPTLC1 protein function with a negative predictive value of 80%. In summary, the available evidence is currently insufficient to determine the role of this variant in disease. Therefore, it has been classified as a Variant of Uncertain Significance.